The following is an entry in ClinVar:

NM_020708.5(SLC12A5):c.3110+5G>A

Gene: SLC12A5 (solute carrier family 12 member 5; plus strand). Cytogenetic location: 20q13.12.
Variant type: single nucleotide variant.
Coding change: c.3110+5G>A on transcript NM_020708.5 (MANE Select); 5 bases into the intron after coding-DNA position 3110, G replaced by A.
Molecular consequence: intron variant.
Genome position (GRCh38, 1-based): chr20:46,056,569, G>A. VCF-style: chr20-46056569-G-A. GRCh37 (hg19) VCF-style: chr20-44685208-G-A.
Other names: c.3179+5G>A (NM_001134771.2).
Identifiers: ClinVar variation 1364628 (VCV001364628.6), dbSNP rs748005684, ClinGen allele CA9887784.

ClinVar aggregate classification (germline): Uncertain significance (1 of 4 stars; one submission).

Conditions:
Developmental and epileptic encephalopathy, 34 (DEE34). Also called: Early infantile epileptic encephalopathy 34; SLC12A5-Related Epilepsy of Infancy with Migrating Focal Seizures. Identifiers: Orphanet 293181, MedGen C4225257, MONDO:0014718, OMIM 616645.

Allele frequency attached by ClinVar (database versions not stated): gnomAD exomes below 0.00001; ExAC 0.00001; TOPMed 0.00001.
gnomAD v4.1: 3 of 1,612,452 alleles (0.00019%); highest among the groups gnomAD compares: South Asian, 0.0011%; no homozygotes.

Submission:

Labcorp Genetics (formerly Invitae), Labcorp
Classification: Uncertain significance for Developmental and epileptic encephalopathy, 34. Last evaluated: 2021-05-19. Review status: criteria provided, single submitter. Criteria: Invitae Variant Classification Sherloc (09022015). Collection method: clinical testing. Allele origin: germline.
Comment: Nucleotide substitutions within the consensus splice site are a relatively common cause of aberrant splicing (PMID: 17576681, 9536098). Algorithms developed to predict the effect of sequence changes on RNA splicing suggest that this variant may disrupt the consensus splice site, but this prediction has not been confirmed by published transcriptional studies. This sequence change falls in intron 23 of the SLC12A5 gene. It does not directly change the encoded amino acid sequence of the SLC12A5 protein. It affects a nucleotide within the consensus splice site of the intron. This variant is present in population databases (rs748005684, ExAC 0.002%). This variant has not been reported in the literature in individuals with SLC12A5-related conditions. In summary, the available evidence is currently insufficient to determine the role of this variant in disease. Therefore, it has been classified as a Variant of Uncertain Significance.

Literature cited by the submitters: PubMed 17576681; PubMed 9536098.